The following is an entry in ClinVar:

ClinVar aggregate classification (germline): Uncertain significance (1 of 4 stars; one submission).

Allele frequency attached by ClinVar (database versions not stated): gnomAD exomes below 0.00001; gnomAD 0.00001.
gnomAD v4.1: 6 of 1,549,664 alleles (0.00039%); highest among the groups gnomAD compares: Non-Finnish European, 0.00052%; no homozygotes.

Submission:

Labcorp Genetics (formerly Invitae), Labcorp
Classification: Uncertain significance. Last evaluated: 2022-08-23. Review status: criteria provided, single submitter. Criteria: Invitae Variant Classification Sherloc (09022015). Collection method: clinical testing. Allele origin: germline.
Comment: This sequence change replaces serine, which is neutral and polar, with cysteine, which is neutral and slightly polar, at codon 1032 of the EYS protein (p.Ser1032Cys). This variant is present in population databases (no rsID available, gnomAD 0.007%). This variant has not been reported in the literature in individuals affected with EYS-related conditions. ClinVar contains an entry for this variant (Variation ID: 1034810). Algorithms developed to predict the effect of missense changes on protein structure and function are either unavailable or do not agree on the potential impact of this missense change (SIFT: "Deleterious"; PolyPhen-2: "Probably Damaging"; Align-GVGD: "Class C15"). Algorithms developed to predict the effect of sequence changes on RNA splicing suggest that this variant may create or strengthen a splice site. In summary, the available evidence is currently insufficient to determine the role of this variant in disease. Therefore, it has been classified as a Variant of Uncertain Significance.

NM_001142800.2(EYS):c.3094A>T (p.Ser1032Cys)

Gene: EYS (eyes shut homolog; minus strand). Cytogenetic location: 6q12.
Variant type: single nucleotide variant.
Coding change: c.3094A>T on transcript NM_001142800.2 (MANE Select); coding-DNA position 3094, A replaced by T.
Protein change: p.Ser1032Cys; replaces serine 1032 with cysteine.
Molecular consequence: missense variant.
Genome position (GRCh38, 1-based): chr6:64,822,721, T>A on the plus strand (A>T on the coding strand, the complement: EYS is on the minus strand). VCF-style: chr6-64822721-T-A. GRCh37 (hg19) VCF-style: chr6-65532614-T-A.
Other names: c.3094A>T, p.Ser1032Cys (NM_001292009.2); short protein forms S1032C.
Identifiers: ClinVar variation 1034810 (VCV001034810.6), dbSNP rs982589279, ClinGen allele CA140369232.